The following is an entry in ClinVar:

NM_004360.5(CDH1):c.750C>T (p.Ile250=)

Gene: CDH1 (cadherin 1; plus strand). Cytogenetic location: 16q22.1.
Variant type: single nucleotide variant.
Coding change: c.750C>T on transcript NM_004360.5 (MANE Select); coding-DNA position 750, C replaced by T.
Protein change: p.Ile250=; no amino-acid change (isoleucine 250 retained).
Molecular consequence: synonymous variant. On other transcripts: 5 prime UTR variant (2).
Genome position (GRCh38, 1-based): chr16:68,810,259, C>T. VCF-style: chr16-68810259-C-T. GRCh37 (hg19) VCF-style: chr16-68844162-C-T.
Other names: c.750C>T, p.Ile250= (NM_001317184.2); c.-866C>T (NM_001317185.2); c.-1070C>T (NM_001317186.2).
Identifiers: ClinVar variation 924879 (VCV000924879.8), dbSNP rs1960782299, ClinGen allele CA496152788.

ClinVar aggregate classification (germline): Benign/Likely benign. Review status: criteria provided, multiple submitters, no conflicts (2 of 4 stars). 4 submissions from 4 submitters: Benign (1); Likely benign (3). Last evaluated 2024-09-13.

Conditions:
Hereditary cancer-predisposing syndrome. Also called: Hereditary Cancer Syndrome; Hereditary neoplastic syndrome; Neoplastic Syndromes, Hereditary; Tumor predisposition. Identifiers: Orphanet 140162, MedGen C0027672, MeSH D009386, MONDO:0015356.
Hereditary diffuse gastric adenocarcinoma (HDGC). Also called: DIFFUSE GASTRIC AND LOBULAR BREAST CANCER SYNDROME. Identifiers: Orphanet 26106, MedGen C1708349, MONDO:0007648, OMIM 137215.

Allele frequency attached by ClinVar (database versions not stated): gnomAD exomes 0.00001.
gnomAD v4.1: 6 of 1,614,108 alleles (0.00037%); highest among the groups gnomAD compares: East Asian, 0.011%; no homozygotes.

Submissions (4):

Myriad Genetics, Inc.
Classification: Benign for Hereditary diffuse gastric adenocarcinoma. Last evaluated: 2024-09-13. Review status: criteria provided, single submitter. Criteria: Myriad Autosomal Dominant, Autosomal Recessive and X-Linked Classification Criteria (2023). Collection method: clinical testing. Allele origin: unknown.
Comment: This variant is considered benign. This variant is a silent/synonymous amino acid change and it is not expected to impact splicing.

Labcorp Genetics (formerly Invitae), Labcorp
Classification: Likely benign for Hereditary diffuse gastric adenocarcinoma. Last evaluated: 2023-02-09. Review status: criteria provided, single submitter. Criteria: Invitae Variant Classification Sherloc (09022015). Collection method: clinical testing. Allele origin: germline.

Ambry Genetics
Classification: Likely benign for Hereditary cancer-predisposing syndrome. Last evaluated: 2022-04-10. Review status: criteria provided, single submitter. Criteria: Ambry Variant Classification Scheme 2023. Collection method: clinical testing. Allele origin: germline.

Color Diagnostics, LLC DBA Color Health
Classification: Likely benign for Hereditary cancer-predisposing syndrome. Last evaluated: 2015-04-20. Review status: criteria provided, single submitter. Criteria: ACMG Guidelines, 2015. Collection method: clinical testing. Allele origin: germline.